The following is an entry in ClinVar:

ClinVar aggregate classification (germline): Uncertain significance (1 of 4 stars; one submission).

Conditions:
Mitochondrial hypertrophic cardiomyopathy with lactic acidosis due to MTO1 deficiency. Also called: Combined oxidative phosphorylation deficiency 10; CARDIOMYOPATHY, INFANTILE HYPERTROPHIC MITOCHONDRIAL, AND LACTIC ACIDOSIS. Identifiers: Orphanet 314637, MedGen C4749921, MONDO:0013865, OMIM 614702.

Allele frequency attached by ClinVar (database versions not stated): TOPMed below 0.00001; ExAC 0.00001; gnomAD exomes 0.00001.
gnomAD v4.1: 14 of 1,602,282 alleles (0.00087%); highest among the groups gnomAD compares: South Asian, 0.013%; no homozygotes.

Submission:

Labcorp Genetics (formerly Invitae), Labcorp
Classification: Uncertain significance for Mitochondrial hypertrophic cardiomyopathy with lactic acidosis due to MTO1 deficiency. Last evaluated: 2022-09-27. Review status: criteria provided, single submitter. Criteria: Invitae Variant Classification Sherloc (09022015). Collection method: clinical testing. Allele origin: germline.
Comment: In summary, the available evidence is currently insufficient to determine the role of this variant in disease. Therefore, it has been classified as a Variant of Uncertain Significance. Advanced modeling of protein sequence and biophysical properties (such as structural, functional, and spatial information, amino acid conservation, physicochemical variation, residue mobility, and thermodynamic stability) performed at Invitae indicates that this missense variant is not expected to disrupt MTO1 protein function. This variant has not been reported in the literature in individuals affected with MTO1-related conditions. This variant is present in population databases (rs776033247, gnomAD 0.01%). This sequence change replaces arginine, which is basic and polar, with glycine, which is neutral and non-polar, at codon 541 of the MTO1 protein (p.Arg541Gly).

NM_012123.4(MTO1):c.1621A>G (p.Arg541Gly)

Gene: MTO1 (mitochondrial tRNA translation optimization 1; plus strand). Cytogenetic location: 6q13.
Variant type: single nucleotide variant.
Coding change: c.1621A>G on transcript NM_012123.4 (MANE Select); coding-DNA position 1621, A replaced by G.
Protein change: p.Arg541Gly; replaces arginine 541 with glycine.
Molecular consequence: missense variant.
Genome position (GRCh38, 1-based): chr6:73,482,604, A>G. VCF-style: chr6-73482604-A-G. GRCh37 (hg19) VCF-style: chr6-74192327-A-G.
Other names: c.1741A>G, p.Arg581Gly (NM_001123226.2); c.1696A>G, p.Arg566Gly (NM_133645.3); short protein forms R541G, R566G, R581G.
Identifiers: ClinVar variation 2177904 (VCV002177904.2), dbSNP rs776033247, ClinGen allele CA3889693.
Genomic context (GRCh38, chr6:73,482,604, plus strand): 5'-ATTGAGTTTTTGAGCTCTAAATGGAAAAAATTAATCCCAGAGGCTTCTATAAGTACTAGT[A>G]GAAGTCTGCCTGTCAGGTATGCATTTTTAATATAGACCTTTCTCACTTTTTATAGAAAAA-3'
Protein context (NP_036255.2, residues 531-551): LIPEASISTS[Arg541Gly]SLPVRALDVL